The following is an entry in ClinVar:

ClinVar aggregate classification (germline): Conflicting classifications of pathogenicity. Review status: criteria provided, conflicting classifications (1 of 4 stars). 4 submissions from 4 submitters: Pathogenic (1); Uncertain significance (1). 2 of the submissions do not count toward it. Last evaluated 2025-08-17.

Conditions:
POLE-related disorder. Also called: POLE-related disorders; POLE-related condition.
Hereditary cancer-predisposing syndrome. Also called: Tumor predisposition; Hereditary neoplastic syndrome; Neoplastic Syndromes, Hereditary; Hereditary Cancer Syndrome. Identifiers: Orphanet 140162, MedGen C0027672, MeSH D009386, MONDO:0015356.
Colorectal cancer, susceptibility to, 12 (CRCS12). Also called: COLORECTAL CANCER, SUSCEPTIBILITY TO, ON CHROMOSOME 12q24. Identifiers: Orphanet 220460, MedGen C3554460, MONDO:0014038, OMIM 615083.

Submissions (4):

Labcorp Genetics (formerly Invitae), Labcorp
Classification: Pathogenic. Last evaluated: 2025-08-17. Review status: criteria provided, single submitter. Criteria: Invitae Variant Classification Sherloc (09022015). Collection method: clinical testing. Allele origin: germline.
Comment: This sequence change affects the initiator codon of the POLE mRNA. This change may impact translation initiation or efficiency. The next in-frame methionine is located at codon 44. This variant is present in population databases (no rsID available, gnomAD 0.007%). Disruption of the initiator codon has been observed in individual(s) with clinical features of autosomal recessive FILS syndrome (PMID: 30503519). In at least one individual the data is consistent with being in trans (on the opposite chromosome) from a pathogenic variant. It has also been observed to segregate with disease in related individuals. ClinVar contains an entry for this variant (Variation ID: 372020). For these reasons, this variant has been classified as Pathogenic.

Ambry Genetics
Classification: Uncertain significance for Hereditary cancer-predisposing syndrome. Last evaluated: 2025-04-02. Review status: criteria provided, single submitter. Criteria: Ambry Variant Classification Scheme 2023. Collection method: clinical testing. Allele origin: germline.
Comment: The p.M1? variant (also known as c.2T>G), located in coding exon 1 of the POLE gene, results from a T to G substitution at nucleotide position 2. This alters the methionine residue at the initiation codon (ATG). Another variant at this codon (c.1A>T) has been identified in conjunction with a second POLE variant (c.1686+32C>G) in individuals with features consistent with POLE deficiency; in at least one instance, the variants were identified in trans (Logan CV et al. Am J Hum Genet, 2018 Dec;103:1038-1044). This amino acid position is well conserved in available vertebrate species. In addition to the clinical data presented in the literature, sequence variations that modify the initiation codon are expected to result in either loss of translation initiation, N-terminal truncation, or cause a shift in the mRNA reading frame. Based on the supporting evidence, this alteration is pathogenic for POLE deficiency; however, the association of this alteration with POLE-related polymerase proofreading-associated polyposis (PPAP) and POLE-related CMMRD-like syndrome is unknown.

PreventionGenetics, part of Exact Sciences
Classification: Uncertain significance for POLE-related condition. Last evaluated: 2024-09-05. Review status: no assertion criteria provided. Collection method: clinical testing. Allele origin: germline. Not counted in ClinVar's aggregate classification.
Comment: The POLE c.2T>G variant is predicted to disrupt the translation initiation site (Start Loss). To our knowledge, this variant, c.2T>G, has not been reported in the literature. A different nucleotide change affecting the initiation codon, c.1A>T (p.Met1?), has been reported in association with IMAGE-I syndrome (Logan et al. 2018. PubMed ID: 30503519). This variant is reported in 0.0065% of alleles in individuals of European (Non-Finnish) descent in gnomAD. This variant is interpreted as a variant of uncertain significance or pathogenic in ClinVar. At this time, the clinical significance of this variant is uncertain due to the absence of conclusive functional and genetic evidence.

Counsyl
Classification: Uncertain significance for Colorectal cancer, susceptibility to, 12. Last evaluated: 2016-10-18. Review status: no assertion criteria provided. Collection method: clinical testing. Allele origin: unknown. Not counted in ClinVar's aggregate classification.

Literature cited by the submitters: PubMed 30503519 (cited by Labcorp Genetics (formerly Invitae), Labcorp).

NM_006231.4(POLE):c.2T>G (p.Met1Arg)

Genes: POLE (DNA polymerase epsilon, catalytic subunit; minus strand), LOC130009266 (ATAC-STARR-seq lymphoblastoid silent region 5123; plus strand). Cytogenetic location: 12q24.33.
Variant type: single nucleotide variant.
Coding change: c.2T>G on transcript NM_006231.4 (MANE Select); coding-DNA position 2, T replaced by G.
Protein change: p.Met1Arg; changes the start codon (methionine 1).
Molecular consequence: missense variant, initiator codon variant.
Genome position (GRCh38, 1-based): chr12:132,687,314, A>C on the plus strand (T>G on the coding strand, the complement: POLE is on the minus strand). VCF-style: chr12-132687314-A-C. GRCh37 (hg19) VCF-style: chr12-133263900-A-C.
Other names: short protein forms M1R.
Identifiers: ClinVar variation 372020 (VCV000372020.15), dbSNP rs879254126, ClinGen allele CA16042135.